The following is an entry in ClinVar:

NM_000123.4(ERCC5):c.905A>C (p.Glu302Ala)

Genes: ERCC5 (ERCC excision repair 5, endonuclease; plus strand), BIVM-ERCC5 (BIVM-ERCC5 readthrough; plus strand). Cytogenetic location: 13q33.1.
Variant type: single nucleotide variant.
Coding change: c.905A>C on transcript NM_000123.4 (MANE Select); coding-DNA position 905, A replaced by C.
Protein change: p.Glu302Ala; replaces glutamic acid 302 with alanine.
Molecular consequence: missense variant.
Genome position (GRCh38, 1-based): chr13:102,862,054, A>C. VCF-style: chr13-102862054-A-C. GRCh37 (hg19) VCF-style: chr13-103514404-A-C.
Other names: c.2267A>C, p.Glu756Ala (NM_001204425.2); short protein forms E302A, E756A.
Identifiers: ClinVar variation 1692201 (VCV001692201.1), dbSNP rs776862585, ClinGen allele CA7041310.

ClinVar aggregate classification (germline): Uncertain significance (1 of 4 stars; one submission).

Conditions:
Hereditary cancer-predisposing syndrome. Also called: Hereditary Cancer Syndrome; Hereditary neoplastic syndrome; Neoplastic Syndromes, Hereditary; Tumor predisposition. Identifiers: Orphanet 140162, MedGen C0027672, MeSH D009386, MONDO:0015356.

Allele frequency attached by ClinVar (database versions not stated): ExAC 0.00001; gnomAD exomes 0.00001.
gnomAD v4.1: 3 of 1,614,246 alleles (0.00019%); highest among the groups gnomAD compares: Admixed American, 0.005%; no homozygotes.

Submission:

Sema4
Classification: Uncertain significance for Hereditary cancer-predisposing syndrome. Last evaluated: 2021-12-29. Review status: criteria provided, single submitter. Criteria: Sema4 Curation Guidelines. Collection method: curation. Allele origin: germline.
Comment: The ERCC5 c.905A>C (p.E302A) variant has not been reported in the literature to our knowledge. It was observed in 2/34590 chromosomes of the Latino subpopulation in the large and broad cohorts of the Genome Aggregation Database (PMID: 32461654). The variant has not been reported in ClinVar. In silico tools suggest the impact of the variant on protein function is benign, though these predictions have not been confirmed by functional studies. The evidence is insufficient to meet ACMG/AMP criteria for classifying the variant as benign or pathogenic. Thus, the clinical significance of this variant is currently uncertain.